The following is an entry in ClinVar:

ClinVar aggregate classification (germline): Uncertain significance. Review status: criteria provided, multiple submitters, no conflicts (2 of 4 stars). 3 submissions from 3 submitters: Uncertain significance (3). Last evaluated 2022-12-23.

Conditions:
Developmental and epileptic encephalopathy, 54. Also called: HNRNPU-Related Neurodevelopmental Disorder; Epileptic encephalopathy, early infantile, 54. Identifiers: MedGen C4479319, MONDO:0033363, OMIM 617391.

Submissions (3):

Laboratory of Medical Genetics, University of Torino
Classification: Uncertain significance for Developmental and epileptic encephalopathy, 54. Last evaluated: 2022-12-23. Review status: criteria provided, single submitter. Criteria: ACMG Guidelines, 2015. Collection method: clinical testing. Allele origin: de novo. Affected: yes.

Labcorp Genetics (formerly Invitae), Labcorp
Classification: Uncertain significance for Developmental and epileptic encephalopathy, 54. Last evaluated: 2022-07-26. Review status: criteria provided, single submitter. Criteria: Invitae Variant Classification Sherloc (09022015). Collection method: clinical testing. Allele origin: germline.
Comment: This variant, c.837_839del, results in the deletion of 1 amino acid(s) of the HNRNPU protein (p.Glu279del), but otherwise preserves the integrity of the reading frame. The frequency data for this variant in the population databases is considered unreliable, as metrics indicate poor data quality at this position in the gnomAD database. This variant has been observed in individual(s) with clinical features of epileptic encephalopathy with cerebellar atrophy (PMID: 32319732). ClinVar contains an entry for this variant (Variation ID: 372843). Experimental studies and prediction algorithms are not available or were not evaluated, and the functional significance of this variant is currently unknown. In summary, the available evidence is currently insufficient to determine the role of this variant in disease. Therefore, it has been classified as a Variant of Uncertain Significance.

GeneDx
Classification: Uncertain significance. Last evaluated: 2018-04-09. Review status: criteria provided, single submitter. Criteria: GeneDx Variant Classification (06012015). Collection method: clinical testing. Allele origin: germline. Affected: yes.
Comment: The c.837_839delAGA variant in the HNRNPU gene has not been reported previously as a pathogenic variant, nor as a benign variant, to our knowledge. The c.837_839delAGA variant causes an inframe deletion of one codon, Glutamic acid 279, denoted p.Glu279del. Although not observed as homozygous, the c.837_839delAGA variant is observed in 1/17248 (0.006%) alleles from individuals of East Asian background and 2/246250 (0.0008%) total alleles in large population cohorts (Lek et al., 2016). In-silico analyses, including protein predictors and evolutionary conservation, support a deleterious effect. We interpret c.837_839delAGA as a variant of uncertain significance.

Literature cited by the submitters: PubMed 32319732 (cited by Labcorp Genetics (formerly Invitae), Labcorp).

NM_031844.3(HNRNPU):c.831AGA[2] (p.Glu279del)

Gene: HNRNPU (heterogeneous nuclear ribonucleoprotein U; minus strand). Cytogenetic location: 1q44.
Variant type: Microsatellite.
Coding change: c.831AGA[2] on transcript NM_031844.3 (MANE Select); two copies in a row of the 3-base unit AGA starting at c.831; the reference has three copies in a row; one copy, 3 bases deleted.
Protein change: p.Glu279del; deletes glutamic acid 279.
Molecular consequence: inframe deletion.
Genome position (GRCh38, 1-based): chr1:244,862,499-244,862,501, TCT deleted on the plus strand (AGA on the coding strand, the reverse complement: HNRNPU is on the minus strand); deleting any 3 consecutive bases within chr1:244,862,499-244,862,509 gives the same sequence; the position shown is the placement nearest the transcript's 3' end. VCF-style (leftmost placement, unchanged base first): chr1-244862498-ATCT-A. GRCh37 (hg19) VCF-style: chr1-245025800-ATCT-A.
Other names: c.774AGA[2], p.Glu260del (NM_004501.3); c.837_839delAGA (NM_031844.2); short protein forms E279del, E260del.
Identifiers: ClinVar variation 372843 (VCV000372843.11), dbSNP rs747301226, ClinGen allele CA1486675.